The following is an entry in ClinVar:

NM_172250.3(MMAA):c.601_602del (p.Ser201fs)

Gene: MMAA (metabolism of cobalamin associated A; plus strand). Cytogenetic location: 4q31.21.
Variant type: Deletion.
Coding change: c.601_602del on transcript NM_172250.3 (MANE Select); coding-DNA positions 601 to 602, 2 bases deleted (TC; older notation c.601_602delTC).
Protein change: p.Ser201fs; shifts the reading frame from serine 201.
Molecular consequence: frameshift variant.
Genome position (GRCh38, 1-based): chr4:145,646,024-145,646,025, TC deleted. VCF-style (leftmost placement, unchanged base first): chr4-145646023-ATC-A. GRCh37 (hg19) VCF-style: chr4-146567175-ATC-A.
Other names: c.601_602del, p.Ser201fs (NM_001375644.1); short protein forms S201fs.
Identifiers: ClinVar variation 1724762 (VCV001724762.2), dbSNP rs2546339447, ClinGen allele CA2580071578.

ClinVar aggregate classification (germline): Likely pathogenic (1 of 4 stars; one submission).

Conditions:
Methylmalonic aciduria, cblA type (MACA). Also called: Methylmalonic aciduria, vitamin b12-responsive, due to defect in synthesis of adenosylcobalamin, cbla complementation type; MMA cbl A type; Methylmalonic acidemia cblA type; Methylmalonic aciduria, vitamin B12-responsive; Vitamin B12-responsive methylmalonic acidemia type cblA. Identifiers: Orphanet 28, Orphanet 79310, MedGen C1855109, MONDO:0009613, OMIM 251100.

Submission:

Myriad Genetics, Inc.
Classification: Likely pathogenic for Methylmalonic aciduria, cblA type. Last evaluated: 2022-02-25. Review status: criteria provided, single submitter. Criteria: Myriad Women's Health Autosomal Recessive and X-Linked Classification Criteria (2021). Collection method: clinical testing. Allele origin: unknown.
Comment: NM_172250.2(MMAA):c.601_602delTC(S201Kfs*13) is expected to be pathogenic in the context of methylmalonic acidemia, cblA type. This variant is predicted to lead to an abnormal or absent protein product due to the creation of a premature termination codon in MMAA, a gene where loss-of-function variants are known to be pathogenic. Please note: this variant was assessed in the context of healthy population screening.